The following is an entry in ClinVar:

NM_003190.5(TAPBP):c.820C>T (p.His274Tyr)

Gene: TAPBP (TAP binding protein; minus strand). Cytogenetic location: 6p21.32.
Variant type: single nucleotide variant.
Coding change: c.820C>T on transcript NM_003190.5 (MANE Select); coding-DNA position 820, C replaced by T.
Protein change: p.His274Tyr; replaces histidine 274 with tyrosine.
Molecular consequence: missense variant.
Genome position (GRCh38, 1-based): chr6:33,305,037, G>A on the plus strand (C>T on the coding strand, the complement: TAPBP is on the minus strand). VCF-style: chr6-33305037-G-A. GRCh37 (hg19) VCF-style: chr6-33272814-G-A.
Other names: c.820C>T, p.His274Tyr (NM_172208.3); c.559C>T, p.His187Tyr (NM_172209.3); short protein forms H274Y, H187Y.
Identifiers: ClinVar variation 1514333 (VCV001514333.6), dbSNP rs145571132, ClinGen allele CA3755799.
Genomic context (GRCh38, chr6:33,305,037, plus strand): 5'-CCCCCAACTCACTGTACACAGCAAGCTCCAGGGTGACCTGTCCTTGCAGGTATGGCAGGT[G>A]TATGGTGGCCAGATAGGTGCCCTCCTGAAAGGGTTGAACTGTAGGCAGCCAGAAGGTCCC-3'
Protein context (NP_003181.3, residues 264-284): FQEGTYLATI[His274Tyr]LPYLQGQVTL

ClinVar aggregate classification (germline): Uncertain significance (1 of 4 stars; one submission).

Conditions:
MHC class I deficiency. Identifiers: Orphanet 34592, MedGen C6024714, MONDO:0011476.

Allele frequency attached by ClinVar (database versions not stated): TOPMed 0.00007; ESP Exome Variant Server 0.00015; ExAC 0.00002; gnomAD exomes 0.00002; gnomAD 0.00006.

Submission:

Labcorp Genetics (formerly Invitae), Labcorp
Classification: Uncertain significance for MHC class I deficiency 1. Last evaluated: 2023-06-06. Review status: criteria provided, single submitter. Criteria: Invitae Variant Classification Sherloc (09022015). Collection method: clinical testing. Allele origin: germline.
Comment: This sequence change replaces histidine, which is basic and polar, with tyrosine, which is neutral and polar, at codon 274 of the TAPBP protein (p.His274Tyr). This variant is present in population databases (rs145571132, gnomAD 0.004%). This variant has not been reported in the literature in individuals affected with TAPBP-related conditions. ClinVar contains an entry for this variant (Variation ID: 1514333). Algorithms developed to predict the effect of missense changes on protein structure and function output the following: SIFT: "Not Available"; PolyPhen-2: "Benign"; Align-GVGD: "Not Available". The tyrosine amino acid residue is found in multiple mammalian species, which suggests that this missense change does not adversely affect protein function. In summary, the available evidence is currently insufficient to determine the role of this variant in disease. Therefore, it has been classified as a Variant of Uncertain Significance.